The following is an entry in ClinVar:

NM_207361.6(FREM2):c.38G>A (p.Arg13Gln)

Gene: FREM2 (FRAS1 related extracellular matrix 2; plus strand). Cytogenetic location: 13q13.3.
Variant type: single nucleotide variant.
Coding change: c.38G>A on transcript NM_207361.6 (MANE Select); coding-DNA position 38, G replaced by A.
Protein change: p.Arg13Gln; replaces arginine 13 with glutamine.
Molecular consequence: missense variant.
Genome position (GRCh38, 1-based): chr13:38,687,382, G>A. VCF-style: chr13-38687382-G-A. GRCh37 (hg19) VCF-style: chr13-39261519-G-A.
Other names: short protein forms R13Q.
Identifiers: ClinVar variation 286386 (VCV000286386.9), dbSNP rs765718616, ClinGen allele CA6954131.

ClinVar aggregate classification (germline): Uncertain significance. Review status: criteria provided, multiple submitters, no conflicts (2 of 4 stars). 3 submissions from 3 submitters: Uncertain significance (3). Last evaluated 2022-04-10.

Conditions:
Fraser syndrome 2 (FRASRS2). Identifiers: MedGen C4540036, MONDO:0054738, OMIM 617666.

Allele frequency attached by ClinVar (database versions not stated): gnomAD 0.00004 and 0.00005; TOPMed 0.00005.
gnomAD v4.1: 138 of 1,608,518 alleles (0.0086%); highest among the groups gnomAD compares: South Asian, 0.049%; 3 homozygotes.

Submissions (3):

Labcorp Genetics (formerly Invitae), Labcorp
Classification: Uncertain significance. Last evaluated: 2022-04-10. Review status: criteria provided, single submitter. Criteria: Invitae Variant Classification Sherloc (09022015). Collection method: clinical testing. Allele origin: germline.
Comment: This sequence change replaces arginine, which is basic and polar, with glutamine, which is neutral and polar, at codon 13 of the FREM2 protein (p.Arg13Gln). This variant is present in population databases (rs765718616, gnomAD 0.04%), including at least one homozygous and/or hemizygous individual. This variant has not been reported in the literature in individuals affected with FREM2-related conditions. ClinVar contains an entry for this variant (Variation ID: 286386). Algorithms developed to predict the effect of missense changes on protein structure and function (SIFT, PolyPhen-2, Align-GVGD) all suggest that this variant is likely to be tolerated. In summary, the available evidence is currently insufficient to determine the role of this variant in disease. Therefore, it has been classified as a Variant of Uncertain Significance.

Fulgent Genetics
Classification: Uncertain significance for Fraser syndrome 2. Last evaluated: 2018-10-31. Review status: criteria provided, single submitter. Criteria: ACMG Guidelines, 2015. Collection method: clinical testing. Allele origin: unknown.

Eurofins Ntd Llc (ga)
Classification: Uncertain significance. Last evaluated: 2016-03-30. Review status: criteria provided, single submitter. Criteria: EGL Classification Definitions 2015. Collection method: clinical testing. Allele origin: germline. Observed: 1 variant allele, 1 heterozygote.